The following is an entry in ClinVar:

NM_000466.3(PEX1):c.1025del (p.Lys342fs)

Gene: PEX1 (peroxisomal biogenesis factor 1; minus strand). Cytogenetic location: 7q21.2.
Variant type: Deletion.
Coding change: c.1025del on transcript NM_000466.3 (MANE Select); coding-DNA position 1025, one base deleted (A; older notation c.1025delA).
Protein change: p.Lys342fs; shifts the reading frame from lysine 342.
Molecular consequence: frameshift variant.
Genome position (GRCh38, 1-based): chr7:92,517,490, T deleted on the plus strand (A on the coding strand, the reverse complement: PEX1 is on the minus strand); the first of 3 consecutive T bases (chr7:92,517,490-92,517,492); deleting any one gives the same sequence. VCF-style (leftmost placement, unchanged base first): chr7-92517489-CT-C. GRCh37 (hg19) VCF-style: chr7-92146803-CT-C.
Other names: c.1025del, p.Lys342fs (NM_001282677.2); c.401del, p.Lys134fs (NM_001282678.2); short protein forms K134fs, K342fs.
Identifiers: ClinVar variation 2717008 (VCV002717008.3), dbSNP rs2484702523, ClinGen allele CA2697557402.
Genomic context (GRCh38, chr7:92,517,489, plus strand): 5'-TGACATCTGCTTCTCTTTTTCAGGTGATAACACATTTTGTTTTGTTTTACTTTGCTGTTG[CT>C]TTGGAGAAAGTAGCTTAACTAGCTTTCCATATGTCACAGTAAAGCTGGGCTCTACATCAA-3'

ClinVar aggregate classification (germline): Pathogenic (1 of 4 stars; one submission).

Conditions:
Zellweger spectrum disorders (ZS). Also called: Zellweger Spectrum Disorder; Zellweger Spectrum; Zellweger syndrome; Zellweger Spectrum Disorder (ZSD). Identifiers: Orphanet 912, MedGen C0043459, MONDO:0019609.

Submission:

Labcorp Genetics (formerly Invitae), Labcorp
Classification: Pathogenic for Zellweger spectrum disorders. Last evaluated: 2023-06-15. Review status: criteria provided, single submitter. Criteria: Invitae Variant Classification Sherloc (09022015). Collection method: clinical testing. Allele origin: germline.
Comment: This sequence change creates a premature translational stop signal (p.Lys342Serfs*24) in the PEX1 gene. It is expected to result in an absent or disrupted protein product. Loss-of-function variants in PEX1 are known to be pathogenic (PMID: 9398847, 16086329, 16141001, 21031596, 26387595, 31831025). This variant is not present in population databases (gnomAD no frequency). This variant has not been reported in the literature in individuals affected with PEX1-related conditions. For these reasons, this variant has been classified as Pathogenic.

Literature cited by the submitters: PubMed 9398847; PubMed 16086329; PubMed 16141001; PubMed 21031596; PubMed 26387595; PubMed 31831025.